The following is an entry in ClinVar:

NM_000277.3(PAH):c.1065+97G>A

Gene: PAH (phenylalanine hydroxylase; minus strand). Cytogenetic location: 12q23.2.
Variant type: single nucleotide variant.
Coding change: c.1065+97G>A on transcript NM_000277.3 (MANE Select); 97 bases into the intron after coding-DNA position 1065, G replaced by A.
Molecular consequence: intron variant.
Genome position (GRCh38, 1-based): chr12:102,844,239, C>T on the plus strand (G>A on the coding strand, the complement: PAH is on the minus strand). VCF-style: chr12-102844239-C-T. GRCh37 (hg19) VCF-style: chr12-103238017-C-T.
Other names: c.1065+97G>A (NM_001354304.2).
Identifiers: ClinVar variation 102507 (VCV000102507.3), dbSNP rs12580432, ClinGen allele CA229320.
Genomic context (GRCh38, chr12:102,844,239, plus strand): 5'-AAATCATAGCTGCTAAGGTACCAATCACTGGAGAATGAGTTCCCAGGTTGCATATCAAAA[C>T]GGATACAAATAGGGTTTCAACAATATTGAAAGCACAATAATGGTTTTCTGTACCCACCAC-3'

ClinVar aggregate classification (germline): Benign. Review status: reviewed by expert panel (3 of 4 stars). 3 submissions from 3 submitters: Benign (1). 2 of the submissions do not count toward it. Last evaluated 2020-08-07.

Conditions:
Phenylketonuria (PKU). Also called: Phenylketonuria (PKU); FOLLING DISEASE; OLIGOPHRENIA PHENYLPYRUVICA; Phenylketonurias. Identifiers: Orphanet 716, MedGen C0031485, MONDO:0009861, OMIM 261600. Disease mechanism: loss of function.

Allele frequency attached by ClinVar (database versions not stated): 1000 Genomes Project 30x 0.31371; gnomAD 0.21736 and 0.22972; 1000 Genomes Project 0.33047; gnomAD exomes 0.28275; TOPMed 0.21816.
gnomAD v4.1: 235,883 of 862,996 alleles (27%); highest among the groups gnomAD compares: East Asian, 76%; 38,939 homozygotes.

Submissions (3):

ClinGen PAH Variant Curation Expert Panel
Classification: Benign for Phenylketonuria. Last evaluated: 2020-08-07. Review status: reviewed by expert panel. Criteria: ClinGen PAH ACMG Specifications v1. Collection method: curation. Allele origin: germline. Inheritance: Autosomal recessive inheritance.
Comment: The c.1065+97G>A variant in PAH has a MAF of 0.2430 in the gnomAD non-Finnish European population. This intronic variant does not have a predicted impact on splicing. In summary this variant meets criteria to be classified as benign. PAH-specific ACMG/AMP criteria applied: BA1, BP7

Breakthrough Genomics
Classification: Benign. Review status: criteria provided, single submitter. Criteria: ACMG Guidelines, 2015. Collection method: not provided. Allele origin: germline. Inheritance: Autosomal recessive inheritance. Affected: yes. Not counted in ClinVar's aggregate classification.

DeBelle Laboratory for Biochemical Genetics, MUHC/MCH RESEARCH INSTITUTE
No classification provided. Review status: no classification provided. Collection method: not provided. Allele origin: not provided. Not counted in ClinVar's aggregate classification.